The following is an entry in ClinVar:

NM_015354.3(NUP188):c.1432T>C (p.Tyr478His)

Gene: NUP188 (nucleoporin 188; plus strand). Cytogenetic location: 9q34.11.
Variant type: single nucleotide variant.
Coding change: c.1432T>C on transcript NM_015354.3 (MANE Select); coding-DNA position 1432, T replaced by C.
Protein change: p.Tyr478His; replaces tyrosine 478 with histidine.
Molecular consequence: missense variant.
Genome position (GRCh38, 1-based): chr9:128,981,306, T>C. VCF-style: chr9-128981306-T-C. GRCh37 (hg19) VCF-style: chr9-131743585-T-C.
Other names: c.1432T>C (NM_015354.1); short protein forms Y478H.
Identifiers: ClinVar variation 2659555 (VCV002659555.25), dbSNP rs61733522, ClinGen allele CA5272313.
Genomic context (GRCh38, chr9:128,981,306, plus strand): 5'-TTTTTTCTGTTTTGGCAGGTGTATAGCTTCTTGGATAAGATGTCTTTCTACAATGAACTT[T>C]ATAAACACAAGCCTCATGATGTGATCTCCCATGAAGATGGAACTCTTTGGCGGAGACAAA-3'
Protein context (NP_056169.1, residues 468-488): LDKMSFYNEL[Tyr478His]KHKPHDVISH

ClinVar aggregate classification (germline): Likely benign. Review status: criteria provided, multiple submitters, no conflicts (2 of 4 stars). 2 submissions from 2 submitters: Likely benign (2). Last evaluated 2025-08-12.

Conditions:
Inborn genetic diseases. Identifiers: MedGen C0950123, MeSH D030342.

Allele frequency attached by ClinVar (database versions not stated): ExAC 0.00096; gnomAD 0.00236; TOPMed 0.00280; 1000 Genomes Project 30x 0.00297; 1000 Genomes Project 0.00300; ESP Exome Variant Server 0.00300.
gnomAD v4.1: 829 of 1,614,122 alleles (0.051%); highest among the groups gnomAD compares: African/African-American, 0.8%; 6 homozygotes.

Submissions (2):

Ambry Genetics
Classification: Likely benign for Inborn genetic diseases. Last evaluated: 2025-08-12. Review status: criteria provided, single submitter. Criteria: Ambry Variant Classification Scheme 2023. Collection method: clinical testing. Allele origin: germline.

CeGaT Center for Human Genetics Tuebingen
Classification: Likely benign. Last evaluated: 2023-05-01. Review status: criteria provided, single submitter. Criteria: CeGaT Center For Human Genetics Tuebingen Variant Classification Criteria Version 2. Collection method: clinical testing. Allele origin: germline. Affected: yes. Observed: 3 variant alleles.
Comment: NUP188: BP4, BS2